The following is an entry in ClinVar:

NM_001267550.2(TTN):c.61656G>C (p.Lys20552Asn)

Genes: TTN (titin; minus strand), TTN-AS1 (TTN antisense RNA 1; plus strand). Cytogenetic location: 2q31.2.
Variant type: single nucleotide variant.
Coding change: c.61656G>C on transcript NM_001267550.2 (MANE Select); coding-DNA position 61656, G replaced by C.
Protein change: p.Lys20552Asn; replaces lysine 20552 with asparagine.
Molecular consequence: missense variant.
Genome position (GRCh38, 1-based): chr2:178,590,069, C>G on the plus strand (G>C on the coding strand, the complement: TTN is on the minus strand). VCF-style: chr2-178590069-C-G. GRCh37 (hg19) VCF-style: chr2-179454796-C-G.
Other names: c.56733G>C, p.Lys18911Asn (NM_001256850.1); c.34461G>C, p.Lys11487Asn (NM_003319.4); c.53952G>C, p.Lys17984Asn (NM_133378.4); c.34836G>C, p.Lys11612Asn (NM_133432.3); c.35037G>C, p.Lys11679Asn (NM_133437.4); short protein forms K11487N, K11612N, K11679N, K17984N, K18911N, K20552N.
Identifiers: ClinVar variation 3366067 (VCV003366067.1).

ClinVar aggregate classification (germline): Uncertain significance (1 of 4 stars; one submission).

Submission:

GeneDx
Classification: Uncertain significance. Last evaluated: 2023-10-13. Review status: criteria provided, single submitter. Criteria: GeneDx Variant Classification Process June 2021. Collection method: clinical testing. Allele origin: germline. Affected: yes.
Comment: Not observed at significant frequency in large population cohorts (gnomAD); Missense variant in a gene in which most reported pathogenic variants are truncating/loss of function; Has not been previously published as pathogenic or benign to our knowledge